The following continues an entry in ClinVar:

NM_007294.4(BRCA1):c.427G>T (p.Glu143Ter)

Gene: BRCA1. ClinVar aggregate classification (germline): Pathogenic. Pathogenic (1).

Submissions 9 to 19 of 31:

Blueprint Genetics
Classification: Pathogenic for BRCA1-related disorders. Last evaluated: 2024-10-02. Review status: criteria provided, single submitter. Criteria: ACMG Guidelines, 2015. Collection method: clinical testing. Allele origin: germline. Affected: yes. Observed: 5 variant alleles. Not counted in ClinVar's aggregate classification.

All of Us Research Program, National Institutes of Health
Classification: Pathogenic for BRCA1-related cancer predisposition. Last evaluated: 2024-07-29. Review status: criteria provided, single submitter. Criteria: ACMG Guidelines, 2015. Collection method: clinical testing. Allele origin: germline. Inheritance: Autosomal dominant inheritance. Observed: 4 variant alleles, 4 heterozygotes. Not counted in ClinVar's aggregate classification.
Comment: This variant changes 1 nucleotide in exon 6 of the BRCA1 gene, creating a premature translation stop signal. This variant is expected to result in an absent protein product and BRCA1 mRNA levels is severely reduced in carrier RNA (PMID: 12393792). A functional study has reported that this variant impacts BRCA1 in ubiquitin E3 ligase assays (PMID: 25823446). This variant has been reported in at least 20 individuals and families affected with breast and ovarian cancer (PMID: 9333265, 12393792, 20104584, 23961350, 23884708, 24504028, 26681312, 26833046, 33471991; Leiden Open Variation Database DB-ID BRCA1_000082; Color internal data) and it is a suspected founder mutation in the Irish population (PMID: 23199084). This variant has been identified in 94 families among the CIMBA participants (PMID: 29446198). This variant has not been identified in the general population by the Genome Aggregation Database (gnomAD). Loss of BRCA1 function is a known mechanism of disease. Based on the available evidence, this variant is classified as Pathogenic.

This study involves interpretation of variants in research participants for the purpose of population health screening. Participant phenotype was not available at the time of variant classification. Additional details can be found in publication PMID: 35346344, PMCID: PMC8962531

Ambry Genetics
Classification: Pathogenic for Hereditary cancer-predisposing syndrome. Last evaluated: 2024-07-16. Review status: criteria provided, single submitter. Criteria: Ambry Variant Classification Scheme 2023. Collection method: clinical testing. Allele origin: germline. Not counted in ClinVar's aggregate classification.
Comment: The p.E143* pathogenic mutation (also known as c.427G>T), located in coding exon 5 of the BRCA1 gene, results from a G to T substitution at nucleotide position 427. This changes the amino acid from a glutamic acid to a stop codon within coding exon 5. This mutation has been reported in several individuals diagnosed with breast and/or ovarian cancer (Perrin-Vidoz L et al. Hum. Mol. Genet. 2002 Nov;11:2805-14; Borg A et al. Hum. Mutat. 2010 Mar;31:E1200-40; Bayraktar S et al. Cancer. 2012 Mar;118:1515-22; Cunningham JM et al. Sci. Rep. 2014 Feb;4:4026; Susswein LR et al. Genet. Med. 2016 Aug;18:823-32). This alteration has also been reported as a possible Irish founder mutation, after the author noted that it accounted for 22% of all HBOC individuals in an Irish population (Janaviius R. EPMA J. 2010 Sep;1:397-412). It has since been reported in multiple individuals from Western Ireland (McVeigh TP et al. Ir. J. Med. Sci. 2014 Jun;183:199-206). Of note, this alteration is also designated as 546G>T in published literature. In addition to the clinical data presented in the literature, this alteration is expected to result in loss of function by premature protein truncation or nonsense-mediated mRNA decay. As such, this alteration is interpreted as a disease-causing mutation.

Department of Clinical Genetics, Copenhagen University Hospital, Rigshospitalet
Classification: Pathogenic for Breast-ovarian cancer, familial, susceptibility to, 1. Last evaluated: 2024-05-27. Review status: criteria provided, single submitter. Criteria: ACMG Guidelines, 2015. Collection method: clinical testing. Allele origin: germline. Affected: yes. Not counted in ClinVar's aggregate classification.
Comment: PP3; PS3; PP1_Strong; PM3_Supporting

Baylor Genetics
Classification: Pathogenic for Breast-ovarian cancer, familial, susceptibility to, 1. Last evaluated: 2024-03-11. Review status: criteria provided, single submitter. Criteria: ACMG Guidelines, 2015. Collection method: clinical testing. Allele origin: unknown. Not counted in ClinVar's aggregate classification.

Color Diagnostics, LLC DBA Color Health
Classification: Pathogenic for Hereditary cancer-predisposing syndrome. Last evaluated: 2024-01-17. Review status: criteria provided, single submitter. Criteria: ACMG Guidelines, 2015. Collection method: clinical testing. Allele origin: germline. Not counted in ClinVar's aggregate classification.
Comment: This variant changes 1 nucleotide in exon 6 of the BRCA1 gene, creating a premature translation stop signal. This variant is expected to result in an absent protein product and BRCA1 mRNA levels is severely reduced in carrier RNA (PMID: 12393792). A functional study has reported that this variant impacts BRCA1 in ubiquitin E3 ligase assays (PMID: 25823446). This variant has been reported in at least 20 individuals and families affected with breast and ovarian cancer (PMID: 9333265, 12393792, 20104584, 23961350, 23884708, 24504028, 26681312, 26833046, 33471991; Leiden Open Variation Database DB-ID BRCA1_000082; Color internal data) and it is a suspected founder mutation in the Irish population (PMID: 23199084). This variant has been identified in 94 families among the CIMBA participants (PMID: 29446198). This variant has not been identified in the general population by the Genome Aggregation Database (gnomAD). Loss of BRCA1 function is a known mechanism of disease. Based on the available evidence, this variant is classified as Pathogenic.

CeGaT Center for Human Genetics Tuebingen
Classification: Pathogenic. Last evaluated: 2022-05-01. Review status: criteria provided, single submitter. Criteria: CeGaT Center For Human Genetics Tuebingen Variant Classification Criteria Version 2. Collection method: clinical testing. Allele origin: germline. Affected: yes. Observed: 1 variant allele. Not counted in ClinVar's aggregate classification.
Comment: BRCA1: PVS1, PM2, PS4:Supporting

GeneDx
Classification: Pathogenic. Last evaluated: 2021-09-17. Review status: criteria provided, single submitter. Criteria: GeneDx Variant Classification Process June 2021. Collection method: clinical testing. Allele origin: germline. Affected: yes. Not counted in ClinVar's aggregate classification.
Comment: Nonsense variant predicted to result in protein truncation or nonsense mediated decay in a gene for which loss-of-function is a known mechanism of disease; Observed in several individuals and families with breast and/or ovarian cancer, and has been reported to be an Irish pathogenic founder variant (van Orsuow 1999, Meyer 2003, van der Hout 2006, Janavicius 2010, Solano 2012, Cunningham 2014, Walsh 2015); Not observed in large population cohorts (Lek 2016); Truncating variants in this gene are considered pathogenic by a well-established clinical consortium and/or database; Also known as 546G>T; This variant is associated with the following publications: (PMID: 32719484, 32338768, 9333265, 29961768, 25525159, 30093976, 29446198, 29506128, 25503966, 18680205, 29422015, 28873162, 25085752, 26733283, 27836010, 28127413, 25673166, 26681312, 25823446, 12938098, 23961350, 20104584, 16683254, 23199084, 24504028, 10528853, 22009639)

Sema4
Classification: Pathogenic for Hereditary cancer-predisposing syndrome. Last evaluated: 2021-05-11. Review status: criteria provided, single submitter. Criteria: Sema4 Curation Guidelines. Collection method: curation. Allele origin: germline. Not counted in ClinVar's aggregate classification.
Comment: The BRCA1 c.427G>T (p.E143X) variant has been reported in heterozygosity in numerous individuals with breast, ovarian, pancreatic, or esophogeal cancer (PMID: 29446198, 26681312, 29961768, 24504028). This nonsense variant creates a premature stop codon at residue 143 of the BRCA1 protein. Loss of function variants in BRCA1 are known to be pathogenic (PMID: 29446198). This variant is not reported in the population database Genome Aggregation Database (PMID: 32461654) but has been reported in ClinVar (Variation ID: 37581). Based on the current evidence available, this variant is interpreted as pathogenic.

Women's Health and Genetics/Laboratory Corporation of America, LabCorp
Classification: Pathogenic for Hereditary breast and ovarian cancer syndrome. Last evaluated: 2020-08-31. Review status: criteria provided, single submitter. Criteria: LabCorp Variant Classification Summary - May 2015. Collection method: clinical testing. Allele origin: germline. Not counted in ClinVar's aggregate classification.
Comment: Variant summary: BRCA1 c.427G>T (p.Glu143X) results in a premature termination codon, predicted to cause a truncation of the encoded protein or absence of the protein due to nonsense mediated decay, which are commonly known mechanisms for disease. Truncations downstream of this position have been classified as pathogenic by our laboratory. The variant was absent in 251024 control chromosomes. c.427G>T has been reported in the literature in multiple individuals affected with Hereditary Breast And Ovarian Cancer Syndrome (example, Solano_2013, Judkins_2005, Evans_2003, Nielsen_2016). These data indicate that the variant is very likely to be associated with disease. Nine clinical diagnostic laboratories and one expert panel (ENIGMA) have submitted clinical-significance assessments for this variant to ClinVar after 2014 without evidence for independent evaluation. All submitters classified the variant as pathogenic. Based on the evidence outlined above, the variant was classified as pathogenic.

Genetic Services Laboratory, University of Chicago
Classification: Pathogenic. Last evaluated: 2020-07-10. Review status: criteria provided, single submitter. Criteria: ACMG Guidelines, 2015. Collection method: clinical testing. Allele origin: germline. Affected: yes. Not counted in ClinVar's aggregate classification.
Comment: DNA sequence analysis of the BRCA1 gene demonstrated a sequence change, c.427G>T, which results in the creation of a premature stop codon at amino acid position 143, p.Glu143*. This pathogenic sequence change is predicted to result in an abnormal transcript, which may be degraded, or may lead to the production of a truncated BRCA1 protein with potentially abnormal function. This pathogenic sequence change, also reported as c.546G>T in the literature, has previously been described in individuals with breast and/or ovarian cancer, and pancreatic cancer (PMIDs: 9333265, 22009639, 24504028, 20104584, 23961350, 29961768). The p.Glu143* change has not been described in population databases (gnomAD, ExAC). These collective evidences suggest that this sequence change is pathogenic.